The following is an entry in ClinVar:

NM_000256.3(MYBPC3):c.476T>C (p.Met159Thr)

Gene: MYBPC3 (myosin binding protein C3; minus strand). Cytogenetic location: 11p11.2.
Variant type: single nucleotide variant.
Coding change: c.476T>C on transcript NM_000256.3 (MANE Select); coding-DNA position 476, T replaced by C.
Protein change: p.Met159Thr; replaces methionine 159 with threonine.
Molecular consequence: missense variant.
Genome position (GRCh38, 1-based): chr11:47,350,043, A>G on the plus strand (T>C on the coding strand, the complement: MYBPC3 is on the minus strand). VCF-style: chr11-47350043-A-G. GRCh37 (hg19) VCF-style: chr11-47371594-A-G.
Other names: short protein forms M159T.
Identifiers: ClinVar variation 3894515 (VCV003894515.1).

ClinVar aggregate classification (germline): Uncertain significance (1 of 4 stars; one submission).

Conditions:
Cardiomyopathy (CMYO). Also called: Cardiomyopathies. Identifiers: Orphanet 167848, MedGen C0878544, MONDO:0004994, HP:0001638. Inheritance: Various modes of inheritance.

Submission:

Color Diagnostics, LLC DBA Color Health
Classification: Uncertain significance for Cardiomyopathy. Last evaluated: 2024-07-26. Review status: criteria provided, single submitter. Criteria: ACMG Guidelines, 2015. Collection method: clinical testing. Allele origin: germline.
Comment: This missense variant replaces methionine with threonine at codon 159 of the MYBPC3 protein. Computational prediction suggests that this variant may not impact protein structure and function (internally defined REVEL score threshold <= 0.5, PMID: 27666373). To our knowledge, functional studies have not been reported for this variant. This variant has not been reported in individuals affected with MYBPC3-related disorders in the literature. This variant has not been identified in the general population by the Genome Aggregation Database (gnomAD). The available evidence is insufficient to determine the role of this variant in disease conclusively. Therefore, this variant is classified as a Variant of Uncertain Significance.